The following is an entry in ClinVar:

ClinVar aggregate classification (germline): Conflicting classifications of pathogenicity. Review status: criteria provided, conflicting classifications (1 of 4 stars). 2 submissions from 2 submitters: Uncertain significance (1); Likely benign (1). Last evaluated 2025-10-28.

Conditions:
Hereditary cancer-predisposing syndrome. Also called: Neoplastic Syndromes, Hereditary; Hereditary neoplastic syndrome; Hereditary Cancer Syndrome; Tumor predisposition. Identifiers: Orphanet 140162, MedGen C0027672, MeSH D009386, MONDO:0015356.

Submissions (2):

Ambry Genetics
Classification: Likely benign for Hereditary cancer-predisposing syndrome. Last evaluated: 2025-10-28. Review status: criteria provided, single submitter. Criteria: Ambry Variant Classification Scheme 2023. Collection method: clinical testing. Allele origin: germline.

Labcorp Genetics (formerly Invitae), Labcorp
Classification: Uncertain significance. Last evaluated: 2025-02-26. Review status: criteria provided, single submitter. Criteria: Invitae Variant Classification Sherloc (09022015). Collection method: clinical testing. Allele origin: germline.
Comment: This sequence change replaces aspartic acid, which is acidic and polar, with asparagine, which is neutral and polar, at codon 96 of the CTNNA1 protein (p.Asp96Asn). This variant is not present in population databases (gnomAD no frequency). This variant has not been reported in the literature in individuals affected with CTNNA1-related conditions. ClinVar contains an entry for this variant (Variation ID: 2977422). Invitae Evidence Modeling of protein sequence and biophysical properties (such as structural, functional, and spatial information, amino acid conservation, physicochemical variation, residue mobility, and thermodynamic stability) indicates that this missense variant is not expected to disrupt CTNNA1 protein function with a negative predictive value of 80%. In summary, the available evidence is currently insufficient to determine the role of this variant in disease. Therefore, it has been classified as a Variant of Uncertain Significance.

NM_001903.5(CTNNA1):c.286G>A (p.Asp96Asn)

Gene: CTNNA1 (catenin alpha 1; plus strand). Cytogenetic location: 5q31.2.
Variant type: single nucleotide variant.
Coding change: c.286G>A on transcript NM_001903.5 (MANE Select); coding-DNA position 286, G replaced by A.
Protein change: p.Asp96Asn; replaces aspartic acid 96 with asparagine.
Molecular consequence: missense variant. On other transcripts: intron variant (2).
Genome position (GRCh38, 1-based): chr5:138,783,357, G>A. VCF-style: chr5-138783357-G-A. GRCh37 (hg19) VCF-style: chr5-138119046-G-A.
Other names: c.286G>A, p.Asp96Asn (NM_001290307.3, NM_001323982.2, NM_001323983.1 and 3 more transcripts); c.-6+85G>A (NM_001290310.3); c.-9+1328G>A (NM_001290309.3); c.286G>A (NM_001903.2); short protein forms D96N.
Identifiers: ClinVar variation 2977422 (VCV002977422.4), dbSNP rs1451287719, ClinGen allele CA361477689.